The following is an entry in ClinVar:

ClinVar aggregate classification (germline): Uncertain significance (1 of 4 stars; one submission).

Conditions:
T-cell immunodeficiency, congenital alopecia, and nail dystrophy. Also called: Congenital alopecia and nail dystrophy associated with severe functional T-cell immunodeficiency; Pignata Guarino syndrome. Identifiers: Orphanet 169095, MedGen C1866426, MONDO:0011132, OMIM 601705.

gnomAD v4.1: 35 of 1,613,842 alleles (0.0022%); highest among the groups gnomAD compares: Middle Eastern, 0.049%; no homozygotes.

Submission:

Labcorp Genetics (formerly Invitae), Labcorp
Classification: Uncertain significance for T-cell immunodeficiency, congenital alopecia, and nail dystrophy. Last evaluated: 2025-01-02. Review status: criteria provided, single submitter. Criteria: Invitae Variant Classification Sherloc (09022015). Collection method: clinical testing. Allele origin: germline.
Comment: This sequence change replaces isoleucine, which is neutral and non-polar, with phenylalanine, which is neutral and non-polar, at codon 433 of the FOXN1 protein (p.Ile433Phe). This variant is not present in population databases (gnomAD no frequency). This variant has not been reported in the literature in individuals affected with FOXN1-related conditions. Invitae Evidence Modeling of protein sequence and biophysical properties (such as structural, functional, and spatial information, amino acid conservation, physicochemical variation, residue mobility, and thermodynamic stability) indicates that this missense variant is not expected to disrupt FOXN1 protein function with a negative predictive value of 80%. In summary, the available evidence is currently insufficient to determine the role of this variant in disease. Therefore, it has been classified as a Variant of Uncertain Significance.

NM_001369369.1(FOXN1):c.1297A>T (p.Ile433Phe)

Gene: FOXN1 (forkhead box N1; plus strand). Cytogenetic location: 17q11.2.
Variant type: single nucleotide variant.
Coding change: c.1297A>T on transcript NM_001369369.1 (MANE Select); coding-DNA position 1297, A replaced by T.
Protein change: p.Ile433Phe; replaces isoleucine 433 with phenylalanine.
Molecular consequence: missense variant.
Genome position (GRCh38, 1-based): chr17:28,534,868, A>T. VCF-style: chr17-28534868-A-T. GRCh37 (hg19) VCF-style: chr17-26861886-A-T.
Other names: c.1297A>T, p.Ile433Phe (NM_003593.3); short protein forms I433F.
Identifiers: ClinVar variation 3714362 (VCV003714362.1).